The following is an entry in ClinVar:

ClinVar aggregate classification (germline): Uncertain significance (1 of 4 stars; one submission).

Conditions:
MRAP2-related disorder. Also called: MRAP2-related condition.

gnomAD v4.1: 15 of 1,612,006 alleles (0.00093%); highest among the groups gnomAD compares: Non-Finnish European, 0.001%; no homozygotes.

Submission:

PreventionGenetics, part of Exact Sciences
Classification: Uncertain significance for MRAP2-related condition. Last evaluated: 2026-06-29. Review status: criteria provided, single submitter. Criteria: ACMG Guidelines, 2015. Collection method: clinical testing. Allele origin: germline.
Comment: The MRAP2 c.239C>G variant is predicted to result in the amino acid substitution p.Ser80Cys. To our knowledge, this variant has not been reported in the literature. This variant is reported in 0.00089% of alleles in individuals of European (Non-Finnish) descent in gnomAD. At this time, the clinical significance of this variant is uncertain due to the absence of conclusive functional and genetic evidence.

NM_138409.4(MRAP2):c.239C>G (p.Ser80Cys)

Gene: MRAP2 (melanocortin 2 receptor accessory protein 2; plus strand). Cytogenetic location: 6q14.2.
Variant type: single nucleotide variant.
Coding change: c.239C>G on transcript NM_138409.4 (MANE Select); coding-DNA position 239, C replaced by G.
Protein change: p.Ser80Cys; replaces serine 80 with cysteine.
Molecular consequence: missense variant. On other transcripts: 5 prime UTR variant (1).
Genome position (GRCh38, 1-based): chr6:84,089,102, C>G. VCF-style: chr6-84089102-C-G. GRCh37 (hg19) VCF-style: chr6-84798821-C-G.
Other names: c.-20C>G (NM_001346541.2); c.239C>G, p.Ser80Cys (NM_001346542.2, NM_001346544.2); c.74C>G, p.Ser25Cys (NM_001346543.2); short protein forms S25C, S80C.
Identifiers: ClinVar variation 4994712 (VCV004994712.1).